The following is an entry in ClinVar:

ClinVar aggregate classification (germline): Uncertain significance (1 of 4 stars; one submission).

Conditions:
Long QT syndrome (LQTS). Identifiers: MedGen C0023976, MeSH D008133, MONDO:0002442. Disease mechanism: loss of function. Inheritance: Various modes of inheritance.

Submission:

Labcorp Genetics (formerly Invitae), Labcorp
Classification: Uncertain significance for Long QT syndrome. Last evaluated: 2020-12-23. Review status: criteria provided, single submitter. Criteria: Invitae Variant Classification Sherloc (09022015). Collection method: clinical testing. Allele origin: germline.
Comment: In summary, the available evidence is currently insufficient to determine the role of this variant in disease. Therefore, it has been classified as a Variant of Uncertain Significance. Algorithms developed to predict the effect of missense changes on protein structure and function output the following: SIFT: "Tolerated"; PolyPhen-2: "Benign"; Align-GVGD: "Class C0". The leucine amino acid residue is found in multiple mammalian species, suggesting that this missense change does not adversely affect protein function. These predictions have not been confirmed by published functional studies and their clinical significance is uncertain. This variant has not been reported in the literature in individuals with ANK2-related conditions. This variant is not present in population databases (ExAC no frequency). This sequence change replaces isoleucine with leucine at codon 3242 of the ANK2 protein (p.Ile3242Leu). The isoleucine residue is weakly conserved and there is a small physicochemical difference between isoleucine and leucine.

NM_001148.6(ANK2):c.9724A>C (p.Ile3242Leu)

Gene: ANK2 (ankyrin 2; plus strand). Cytogenetic location: 4q26.
Variant type: single nucleotide variant.
Coding change: c.9724A>C on transcript NM_001148.6 (MANE Select); coding-DNA position 9724, A replaced by C.
Protein change: p.Ile3242Leu; replaces isoleucine 3242 with leucine.
Molecular consequence: missense variant. On other transcripts: intron variant (68).
Genome position (GRCh38, 1-based): chr4:113,358,342, A>C. VCF-style: chr4-113358342-A-C. GRCh37 (hg19) VCF-style: chr4-114279498-A-C.
Other names: c.9490A>C, p.Ile3164Leu (NM_001386142.1); c.6124A>C, p.Ile2042Leu (NM_001386166.1); c.9865A>C, p.Ile3289Leu (NM_001386174.1); c.9841A>C, p.Ile3281Leu (NM_001386175.1); c.4412-2481A>C (NM_001386186.2, NM_001386148.2); c.4214-2481A>C (NM_001354269.3); c.4292-2481A>C (NM_001386187.2); c.4253-2481A>C (NM_001386147.1); and 35 more; short protein forms I2042L, I3164L, I3242L, I3281L, I3289L.
Identifiers: ClinVar variation 1058598 (VCV001058598.5), dbSNP rs2154029621, ClinGen allele CA357938734.